The following is an entry in ClinVar:

ClinVar aggregate classification (germline): Conflicting classifications of pathogenicity. Review status: criteria provided, conflicting classifications (1 of 4 stars). 5 submissions from 5 submitters: Uncertain significance (3); Likely benign (2). Last evaluated 2025-10-01.

Conditions:
Hypogonadotropic hypogonadism 2 with or without anosmia (HH2). Also called: FGFR1-Related GnRH Deficiency (Kallmann Syndrome 2); HYPOGONADOTROPIC HYPOGONADISM 2 WITHOUT ANOSMIA; HYPOGONADOTROPIC HYPOGONADISM 2 WITH OR WITHOUT ANOSMIA, SUSCEPTIBILITY TO; HYPOGONADOTROPIC HYPOGONADISM 2 WITHOUT ANOSMIA, SUSCEPTIBILITY TO. Identifiers: Orphanet 478, MedGen C1563720, MONDO:0007844, OMIM 147950. Disease mechanism: loss of function.
Pfeiffer syndrome (ACS5). Also called: ACS V. Identifiers: Orphanet 710, MedGen C0220658, MONDO:0007043, OMIM 101600.
Hartsfield-Bixler-Demyer syndrome (HRTFDS). Also called: FGFR1-Related Hartsfield Syndrome; Hartsfield syndrome; Holoprosencephaly, ectrodactyly, and bilateral cleft lip/palate. Identifiers: Orphanet 2117, MedGen C1845146, MONDO:0014196, OMIM 615465. Disease mechanism: loss of function.
Encephalocraniocutaneous lipomatosis (ECCL). Identifiers: Orphanet 2396, MedGen C0406612, MONDO:0013074, OMIM 613001.
Jackson-Weiss syndrome (JWS). Also called: CRANIOSYNOSTOSIS, MIDFACIAL HYPOPLASIA, AND FOOT ABNORMALITIES. Identifiers: Orphanet 1540, MedGen C0795998, MONDO:0007400, OMIM 123150. Disease mechanism: loss of function.
Osteoglophonic dysplasia (OGD). Also called: Osteoglophonic dwarfism. Identifiers: Orphanet 2645, MedGen C0432283, MONDO:0008150, OMIM 166250.
Trigonocephaly 1 (TRIGNO1). Identifiers: Orphanet 3366, MedGen C0432122, MONDO:0008603, OMIM 190440.

Allele frequency attached by ClinVar (database versions not stated): ExAC 0.00002; gnomAD exomes 0.00002; TOPMed 0.00002.
gnomAD v4.1: 30 of 1,613,310 alleles (0.0019%); highest among the groups gnomAD compares: Middle Eastern, 0.017%; no homozygotes.

Submissions (5):

CeGaT Center for Human Genetics Tuebingen
Classification: Likely benign. Last evaluated: 2025-10-01. Review status: criteria provided, single submitter. Criteria: CeGaT Center For Human Genetics Tuebingen Variant Classification Criteria Version 2. Collection method: clinical testing. Allele origin: germline. Affected: yes. Observed: 2 variant alleles.
Comment: FGFR1: BP4

Labcorp Genetics (formerly Invitae), Labcorp
Classification: Uncertain significance for Pfeiffer syndrome; Hypogonadotropic hypogonadism 2 with or without anosmia. Last evaluated: 2025-09-02. Review status: criteria provided, single submitter. Criteria: Invitae Variant Classification Sherloc (09022015). Collection method: clinical testing. Allele origin: germline.
Comment: This sequence change replaces arginine, which is basic and polar, with glutamine, which is neutral and polar, at codon 809 of the FGFR1 protein (p.Arg809Gln). This variant is present in population databases (rs771680156, gnomAD 0.004%). This variant has not been reported in the literature in individuals affected with FGFR1-related conditions. ClinVar contains an entry for this variant (Variation ID: 1304409). Invitae Evidence Modeling of protein sequence and biophysical properties (such as structural, functional, and spatial information, amino acid conservation, physicochemical variation, residue mobility, and thermodynamic stability) has been performed for this missense variant. However, the output from this modeling did not meet the statistical confidence thresholds required to predict the impact of this variant on FGFR1 protein function. In summary, the available evidence is currently insufficient to determine the role of this variant in disease. Therefore, it has been classified as a Variant of Uncertain Significance.

Blueprint Genetics
Classification: Likely benign. Last evaluated: 2023-05-08. Review status: criteria provided, single submitter. Criteria: ACMG Guidelines, 2015. Collection method: clinical testing. Allele origin: germline.

Fulgent Genetics
Classification: Uncertain significance for Pfeiffer syndrome; Jackson-Weiss syndrome; Hypogonadotropic hypogonadism 2 with or without anosmia; Osteoglophonic dysplasia; Trigonocephaly 1; Encephalocraniocutaneous lipomatosis; Hartsfield-Bixler-Demyer syndrome. Last evaluated: 2021-07-11. Review status: criteria provided, single submitter. Criteria: ACMG Guidelines, 2015. Collection method: clinical testing. Allele origin: unknown.

GeneDx
Classification: Uncertain significance. Last evaluated: 2018-12-20. Review status: criteria provided, single submitter. Criteria: GeneDx Variant Classification Process June 2021. Collection method: clinical testing. Allele origin: germline. Affected: yes.
Comment: Not observed at a significant frequency in large population cohorts (Lek et al., 2016); In silico analysis, which includes protein predictors and evolutionary conservation, supports that this variant does not alter protein structure/function; Has not been previously published as pathogenic or benign to our knowledge

NM_023110.3(FGFR1):c.2426G>A (p.Arg809Gln)

Gene: FGFR1 (fibroblast growth factor receptor 1; minus strand). Cytogenetic location: 8p11.23.
Variant type: single nucleotide variant.
Coding change: c.2426G>A on transcript NM_023110.3 (MANE Select); coding-DNA position 2426, G replaced by A.
Protein change: p.Arg809Gln; replaces arginine 809 with glutamine.
Molecular consequence: missense variant. On other transcripts: intron variant (3).
Genome position (GRCh38, 1-based): chr8:38,413,671, C>T on the plus strand (G>A on the coding strand, the complement: FGFR1 is on the minus strand). VCF-style: chr8-38413671-C-T. GRCh37 (hg19) VCF-style: chr8-38271189-C-T.
Other names: c.2420G>A, p.Arg807Gln (NM_001174063.2, NM_001174065.2, NM_015850.4); c.2396G>A, p.Arg799Gln (NM_001174064.2); c.2159G>A, p.Arg720Gln (NM_001174066.2, NM_023105.3); c.2519G>A, p.Arg840Gln (NM_001174067.2); c.2147G>A, p.Arg716Gln (NM_001354368.2); c.2153G>A, p.Arg718Gln (NM_023106.3); c.2019+247G>A (NM_001354370.2); c.2286+247G>A (NM_001354367.2); and 1 more; short protein forms R716Q, R718Q, R720Q, R799Q, R807Q, R809Q, R840Q.
Identifiers: ClinVar variation 1304409 (VCV001304409.25), dbSNP rs771680156, ClinGen allele CA4718073.
Genomic context (GRCh38, chr8:38,413,671, plus strand): 5'-GGGCGTGTGGGTGGCAGTCAGCGGCGTTTGAGTCCGCCATTGGCAAGCTGGGCTGGGTGT[C>T]GGGGCAGGCAGGGCTCCTCGGGCAGCGGCTCATGAGAGAAGACGGAATCCTCCCCTGAGG-3'
Protein context (NP_075598.2, residues 799-819): EPLPEEPCLP[Arg809Gln]HPAQLANGGL